The following is an entry in ClinVar:

NM_001080.3(ALDH5A1):c.1576G>T (p.Glu526Ter)

Gene: ALDH5A1 (aldehyde dehydrogenase 5 family member A1; plus strand). Cytogenetic location: 6p22.3.
Variant type: single nucleotide variant.
Coding change: c.1576G>T on transcript NM_001080.3 (MANE Select); coding-DNA position 1576, G replaced by T.
Protein change: p.Glu526Ter; replaces glutamic acid 526 with a stop codon.
Molecular consequence: nonsense.
Genome position (GRCh38, 1-based): chr6:24,533,680, G>T. VCF-style: chr6-24533680-G-T. GRCh37 (hg19) VCF-style: chr6-24533908-G-T.
Other names: c.1432G>T, p.Glu478Ter (NM_001368954.1); c.1615G>T, p.Glu539Ter (NM_170740.1); short protein forms E539*, E526*, E478*.
Identifiers: ClinVar variation 1346959 (VCV001346959.8), dbSNP rs1421988285, ClinGen allele CA362967891.
Genomic context (GRCh38, chr6:24,533,680, plus strand): 5'-GGAGTGAAGCAGTCCGGCCTTGGGCGAGAGGGGTCCAAGTATGGCATTGATGAGTATCTG[G>T]AACTCAAGTATGTGTGTTACGGGGGCTTGTAGGATTCTTTGGTTCTTTAAAAAAATTTAA-3'

ClinVar aggregate classification (germline): Pathogenic (1 of 4 stars; one submission).

Conditions:
Succinate-semialdehyde dehydrogenase deficiency (SSADHD). Also called: 4-HYDROXYBUTYRIC ACIDURIA; Succinic Semialdehyde Dehydrogenase Deficiency; SSADH DEFICIENCY; GABA METABOLIC DEFECT. Identifiers: Orphanet 22, MedGen C0268631, MONDO:0010083, OMIM 271980.

Allele frequency attached by ClinVar (database versions not stated): gnomAD exomes below 0.00001 and 0.00001.

Submission:

Labcorp Genetics (formerly Invitae), Labcorp
Classification: Pathogenic for Succinate-semialdehyde dehydrogenase deficiency. Last evaluated: 2022-08-09. Review status: criteria provided, single submitter. Criteria: Invitae Variant Classification Sherloc (09022015). Collection method: clinical testing. Allele origin: germline.
Comment: ClinVar contains an entry for this variant (Variation ID: 1346959). This variant has not been reported in the literature in individuals affected with ALDH5A1-related conditions. This variant is present in population databases (no rsID available, gnomAD 0.01%). This sequence change creates a premature translational stop signal (p.Glu526*) in the ALDH5A1 gene. While this is not anticipated to result in nonsense mediated decay, it is expected to disrupt the last 10 amino acid(s) of the ALDH5A1 protein. Algorithms developed to predict the effect of sequence changes on RNA splicing suggest that this variant may disrupt the consensus splice site. For these reasons, this variant has been classified as Pathogenic. This variant disrupts a region of the ALDH5A1 protein in which other variant(s) (p.Gly533Arg) have been determined to be pathogenic (PMID: 14635103, 27104484; Invitae). This suggests that this is a clinically significant region of the protein, and that variants that disrupt it are likely to be disease-causing.

Literature cited by the submitters: PubMed 14635103; PubMed 27104484.